The following is an entry in ClinVar:

NM_001374736.1(DST):c.7017del (p.Cys2339fs)

Gene: DST (dystonin; minus strand). Cytogenetic location: 6p12.1.
Variant type: Deletion.
Coding change: c.7017del on transcript NM_001374736.1 (MANE Select); coding-DNA position 7017, one base deleted (T; older notation c.7017delT).
Protein change: p.Cys2339fs; shifts the reading frame from cysteine 2339.
Molecular consequence: frameshift variant. On other transcripts: intron variant (6).
Genome position (GRCh38, 1-based): chr6:56,607,611, A deleted on the plus strand (T on the coding strand, the reverse complement: DST is on the minus strand). VCF-style (leftmost placement, unchanged base first): chr6-56607610-CA-C. GRCh37 (hg19) VCF-style: chr6-56472408-CA-C.
Other names: c.7017del, p.Cys2339fs (NM_001374722.1); c.6384del, p.Cys2128fs (NM_001374729.1); c.7044del, p.Cys2348fs (NM_001374734.1); c.5184+2816del (NM_001144769.5); c.4770+2816del (NM_001144770.2); c.4650+2816del (NM_001374730.1, NM_001386100.1, NM_183380.4); c.3672+2816del (NM_015548.5); short protein forms C2128fs, C2339fs, C2348fs.
Identifiers: ClinVar variation 4887980 (VCV004887980.1).
Genomic context (GRCh38, chr6:56,607,610, plus strand): 5'-TTCTAAGCATGCTAATGTCTGCAAGTTCAGTCTGTGTTAAATATGATATGAGACTGGGAA[CA>C]CACACACTGGGTGAACTGTTAACTTTAGGATCAATTGATATTGTACTTGCCAGTTTTCCT-3'

ClinVar aggregate classification (germline): Pathogenic (1 of 4 stars; one submission).

Conditions:
Fetal anomalies with a likely genetic cause.

Submission:

Genetics Laboratory, Great Ormond Street Hospital NHS Foundation Trust, North Thames Genomic Laboratory Hub
Classification: Pathogenic for Fetal anomalies with a likely genetic cause. Last evaluated: 2026-07-06. Review status: criteria provided, single submitter. Criteria: ACGS Best Practice Guidelines for Variant Classification in Rare Disease 2024 v1.2. Collection method: clinical testing. Allele origin: germline. Affected: yes.
Comment: PM2_moderate, PVS1_very-strong